The following is an entry in ClinVar:

ClinVar aggregate classification (germline): Uncertain significance (1 of 4 stars; one submission).

Submission:

Ambry Genetics
Classification: Uncertain significance. Last evaluated: 2024-06-21. Review status: criteria provided, single submitter. Criteria: Ambry Variant Classification Scheme 2023. Collection method: clinical testing. Allele origin: germline.
Comment: The p.S415Y variant (also known as c.1244C>A), located in coding exon 4 of the TMPO gene, results from a C to A substitution at nucleotide position 1244. The serine at codon 415 is replaced by tyrosine, an amino acid with dissimilar properties. This amino acid position is conserved. In addition, this alteration is predicted to be tolerated by in silico analysis. Based on the available evidence, the clinical significance of this variant remains unclear.

NM_001032283.3(TMPO):c.565+1663C>A

Gene: TMPO (thymopoietin; plus strand). Cytogenetic location: 12q23.1.
Variant type: single nucleotide variant.
Coding change: c.565+1663C>A on transcript NM_001032283.3 (MANE Select); 1663 bases into the intron after coding-DNA position 565, C replaced by A.
Molecular consequence: intron variant. On other transcripts: missense variant (1).
Genome position (GRCh38, 1-based): chr12:98,533,501, C>A. VCF-style: chr12-98533501-C-A. GRCh37 (hg19) VCF-style: chr12-98927279-C-A.
Other names: c.1244C>A, p.Ser415Tyr (NM_003276.2); c.565+1663C>A (NM_001307975.2, NM_001032284.3); short protein forms S415Y.
Identifiers: ClinVar variation 3327291 (VCV003327291.1).
Genomic context (GRCh38, chr12:98,533,501, plus strand): 5'-GAACTTCTAACTCTATGCCCCCACTGGATGTAGAAAACATACAGAAGAGAATTGATCAGT[C>A]TAAGTTTCAAGAAACTGAATTCCTGTCTCCTCCAAGAAAAGTCCCTAGACTGAGTGAGAA-3'